The following is an entry in ClinVar:

NM_000070.3(CAPN3):c.2116-6C>G

Gene: CAPN3 (calpain 3; plus strand). Cytogenetic location: 15q15.1.
Variant type: single nucleotide variant.
Coding change: c.2116-6C>G on transcript NM_000070.3 (MANE Select); 6 bases into the intron before coding-DNA position 2116, C replaced by G.
Molecular consequence: intron variant.
Genome position (GRCh38, 1-based): chr15:42,410,422, C>G. VCF-style: chr15-42410422-C-G. GRCh37 (hg19) VCF-style: chr15-42702620-C-G.
Other names: c.2098-6C>G (NM_024344.2); c.1840-6C>G (NM_173087.2); c.580-6C>G (NM_173088.2); c.121-6C>G (NM_173090.2, NM_173089.2).
Identifiers: ClinVar variation 855890 (VCV000855890.11), dbSNP rs1287322728, ClinGen allele CA618001598.
Genomic context (GRCh38, chr15:42,410,422, plus strand): 5'-AGACCCTCCCTCCAAATCCAGGGGGATTTTGCTGTGTGCTGTGTAGCCCTGACCTCCCTC[C>G]TCCAGACAGATGGCTCTGGAAAGCTCAACCTGCAGGAGTTCCACCACCTCTGGAACAAGA-3'

ClinVar aggregate classification (germline): Uncertain significance. Review status: criteria provided, single submitter (1 of 4 stars). 2 submissions from 2 submitters: Uncertain significance (1). 1 of the submissions does not count toward it. Last evaluated 2025-10-09.

Conditions:
Autosomal recessive limb-girdle muscular dystrophy type 2A (LGMDR1). Also called: Calpainopathy; Limb-girdle muscular dystrophy, type 2A; LEYDEN-MOEBIUS MUSCULAR DYSTROPHY; MUSCULAR DYSTROPHY, PELVOFEMORAL; Muscular dystrophy, limb-girdle, type 2A, Amish. Identifiers: Orphanet 267, MedGen C1869123, MONDO:0009675, OMIM 253600. Disease mechanism: loss of function.

Allele frequency attached by ClinVar (database versions not stated): gnomAD exomes below 0.00001 and 0.00001.
gnomAD v4.1: 2 of 1,614,048 alleles (0.00012%); highest among the groups gnomAD compares: Admixed American, 0.0033%; no homozygotes.

Submissions (2):

Labcorp Genetics (formerly Invitae), Labcorp
Classification: Uncertain significance for Autosomal recessive limb-girdle muscular dystrophy type 2A. Last evaluated: 2025-10-09. Review status: criteria provided, single submitter. Criteria: Invitae Variant Classification Sherloc (09022015). Collection method: clinical testing. Allele origin: germline.
Comment: This sequence change falls in intron 19 of the CAPN3 gene. It does not directly change the encoded amino acid sequence of the CAPN3 protein. This variant is present in population databases (no rsID available, gnomAD 0.006%). This variant has not been reported in the literature in individuals affected with CAPN3-related conditions. ClinVar contains an entry for this variant (Variation ID: 855890). Algorithms developed to predict the effect of sequence changes on RNA splicing suggest that this variant may disrupt the consensus splice site. In summary, the available evidence is currently insufficient to determine the role of this variant in disease. Therefore, it has been classified as a Variant of Uncertain Significance.

Natera, Inc.
Classification: Uncertain significance for Limb-girdle muscular dystrophy type 2A. Last evaluated: 2020-09-16. Review status: no assertion criteria provided. Collection method: clinical testing. Allele origin: germline. Not counted in ClinVar's aggregate classification.